The following is an entry in ClinVar:

NC_000005.10:g.(?_87390790)_(87390893_?)del

Genes: CCNH (cyclin H; minus strand), RASA1 (RAS p21 protein activator 1; plus strand). Cytogenetic location: 5q14.3.
Variant type: Deletion.
Identifiers: ClinVar variation 650189 (VCV000650189.9).

ClinVar aggregate classification (germline): Likely pathogenic (1 of 4 stars; one submission).

Conditions:
Capillary malformation-arteriovenous malformation syndrome. Also called: Capillary malformation-arteriovenous malformation. Identifiers: Orphanet 137667, MedGen C1842180, MONDO:0012016.

Submission:

Labcorp Genetics (formerly Invitae), Labcorp
Classification: Likely pathogenic for Capillary malformation-arteriovenous malformation syndrome. Last evaluated: 2020-01-23. Review status: criteria provided, single submitter. Criteria: Invitae Variant Classification Sherloc (09022015). Collection method: clinical testing. Allele origin: germline.
Comment: In summary, the currently available evidence indicates that the variant is pathogenic, but additional data are needed to prove that conclusively. Therefore, this variant has been classified as Likely Pathogenic. This variant has been observed to segregate with capillary malformation-arteriovenous malformation in a family (Invitae). This variant is a gross deletion of the genomic region encompassing exon 25 of the RASA1 gene. The 5' boundary is likely confined to intron 24. The 3' end of this event is unknown as it extends through the termination codon beyond the assayed region for this gene and may encompass additional genes. While this deletion is not anticipated to result in nonsense mediated decay, it is expected to create a truncated protein product or disrupt mRNA translation.